The following is an entry in ClinVar:

NM_007129.5(ZIC2):c.498C>G (p.His166Gln)

Gene: ZIC2 (Zic family zinc finger 2; plus strand). Cytogenetic location: 13q32.3.
Variant type: single nucleotide variant.
Coding change: c.498C>G on transcript NM_007129.5 (MANE Select); coding-DNA position 498, C replaced by G.
Protein change: p.His166Gln; replaces histidine 166 with glutamine.
Molecular consequence: missense variant.
Genome position (GRCh38, 1-based): chr13:99,982,562, C>G. VCF-style: chr13-99982562-C-G. GRCh37 (hg19) VCF-style: chr13-100634816-C-G.
Other names: short protein forms H166Q.
Identifiers: ClinVar variation 3334701 (VCV003334701.3).

ClinVar aggregate classification (germline): Conflicting classifications of pathogenicity. Review status: criteria provided, conflicting classifications (1 of 4 stars). 3 submissions from 3 submitters: Uncertain significance (1); Likely benign (2). Last evaluated 2026-05-20.

Conditions:
Inborn genetic diseases. Identifiers: MedGen C0950123, MeSH D030342.
Holoprosencephaly 5 (HPE5). Identifiers: Orphanet 2162, MedGen C1864827, MONDO:0012322, OMIM 609637.

gnomAD v4.1: 29 of 1,556,258 alleles (0.0019%); highest among the groups gnomAD compares: South Asian, 0.03%; no homozygotes.

Submissions (3):

Centre for Medical Genetics,  Mumbai
Classification: Likely benign for Holoprosencephaly 5. Last evaluated: 2026-05-20. Review status: criteria provided, single submitter. Criteria: ACMG Guidelines, 2015. Collection method: provider interpretation. Allele origin: germline. Inheritance: Autosomal dominant inheritance. Affected: no. Observed: 1 variant allele, 1 heterozygote.
Comment: The variant satisfies PM2 criteria - extremely low frequency in gnomAD population databases. The variant satisfies PP2 criteria - missense variant in a gene with low rate of benign missense mutations and for which missense mutation is a common mechanism of a disease. However, the variant satisfies BS2 criteria - present in heterozygous state in an individual that clinically does not have Holoprosencephaly.

Labcorp Genetics (formerly Invitae), Labcorp
Classification: Uncertain significance for Holoprosencephaly 5. Last evaluated: 2025-03-01. Review status: criteria provided, single submitter. Criteria: Invitae Variant Classification Sherloc (09022015). Collection method: clinical testing. Allele origin: germline.
Comment: This sequence change replaces histidine, which is basic and polar, with glutamine, which is neutral and polar, at codon 166 of the ZIC2 protein (p.His166Gln). This variant is present in population databases (rs763471288, gnomAD 0.05%), and has an allele count higher than expected for a pathogenic variant. This variant has not been reported in the literature in individuals affected with ZIC2-related conditions. ClinVar contains an entry for this variant (Variation ID: 3334701). Invitae Evidence Modeling of protein sequence and biophysical properties (such as structural, functional, and spatial information, amino acid conservation, physicochemical variation, residue mobility, and thermodynamic stability) indicates that this missense variant is not expected to disrupt ZIC2 protein function with a negative predictive value of 80%. In summary, the available evidence is currently insufficient to determine the role of this variant in disease. Therefore, it has been classified as a Variant of Uncertain Significance.

Ambry Genetics
Classification: Likely benign for Inborn genetic diseases. Last evaluated: 2024-05-20. Review status: criteria provided, single submitter. Criteria: Ambry Variant Classification Scheme 2023. Collection method: clinical testing. Allele origin: germline.

Literature cited by the submitters: PubMed 9771712 (cited by Centre for Medical Genetics,  Mumbai).